The following is an entry in ClinVar:

ClinVar aggregate classification (germline): Uncertain significance (1 of 4 stars; one submission).

Conditions:
Ataxia-telangiectasia syndrome (AT). Also called: ATAXIA-TELANGIECTASIA, COMPLEMENTATION GROUP A; ATAXIA-TELANGIECTASIA, FRESNO VARIANT; Ataxia-telangiectasia; Ataxia-telangiectasia, complementation group D; AT, COMPLEMENTATION GROUP C; Ataxia-telangiectasia, complementation group E. Identifiers: Orphanet 100, MedGen C0004135, MONDO:0008840, OMIM 208900.

Submission:

Labcorp Genetics (formerly Invitae), Labcorp
Classification: Uncertain significance for Ataxia-telangiectasia syndrome. Last evaluated: 2017-09-06. Review status: criteria provided, single submitter. Criteria: Invitae Variant Classification Sherloc (09022015). Collection method: clinical testing. Allele origin: germline.
Comment: In summary, the available evidence is currently insufficient to determine the role of this variant in disease. Therefore, it has been classified as a Variant of Uncertain Significance. Algorithms developed to predict the effect of missense changes on protein structure and function do not agree on the potential impact of this missense change (SIFT: "Deleterious"; PolyPhen-2: "Benign"; Align-GVGD: "Class C35"). This variant has not been reported in the literature in individuals with ATM-related disease. This variant is not present in population databases (ExAC no frequency). This sequence change replaces phenylalanine with cysteine at codon 903 of the ATM protein (p.Phe903Cys). The phenylalanine residue is moderately conserved and there is a large physicochemical difference between phenylalanine and cysteine.

NM_000051.4(ATM):c.2708T>G (p.Phe903Cys)

Gene: ATM (ATM serine/threonine kinase; plus strand). Cytogenetic location: 11q22.3.
Variant type: single nucleotide variant.
Coding change: c.2708T>G on transcript NM_000051.4 (MANE Select); coding-DNA position 2708, T replaced by G.
Protein change: p.Phe903Cys; replaces phenylalanine 903 with cysteine.
Molecular consequence: missense variant.
Genome position (GRCh38, 1-based): chr11:108,268,479, T>G. VCF-style: chr11-108268479-T-G. GRCh37 (hg19) VCF-style: chr11-108139206-T-G.
Other names: c.2708T>G, p.Phe903Cys (NM_001351834.2); short protein forms F903C.
Identifiers: ClinVar variation 524350 (VCV000524350.7), dbSNP rs1555083208, ClinGen allele CA382545260.